The following is an entry in ClinVar:

ClinVar aggregate classification (germline): Benign/Likely benign. Review status: criteria provided, multiple submitters, no conflicts (2 of 4 stars). 3 submissions from 3 submitters: Benign (1); Likely benign (2). Last evaluated 2026-01-19.

Allele frequency attached by ClinVar (database versions not stated): TOPMed 0.00017; gnomAD exomes 0.00020; gnomAD 0.00021; ExAC 0.00039.
gnomAD v4.1: 510 of 1,528,776 alleles (0.033%); highest among the groups gnomAD compares: Non-Finnish European, 0.042%; 1 homozygote.

Submissions (3):

Labcorp Genetics (formerly Invitae), Labcorp
Classification: Benign. Last evaluated: 2026-01-19. Review status: criteria provided, single submitter. Criteria: Invitae Variant Classification Sherloc (09022015). Collection method: clinical testing. Allele origin: germline.

Blueprint Genetics
Classification: Likely benign. Last evaluated: 2024-09-25. Review status: criteria provided, single submitter. Criteria: ACMG Guidelines, 2015. Collection method: clinical testing. Allele origin: germline.

CeGaT Center for Human Genetics Tuebingen
Classification: Likely benign. Last evaluated: 2024-03-01. Review status: criteria provided, single submitter. Criteria: CeGaT Center For Human Genetics Tuebingen Variant Classification Criteria Version 2. Collection method: clinical testing. Allele origin: germline. Affected: yes. Observed: 3 variant alleles.
Comment: CAMK2B: BP4, BP7

NM_001220.5(CAMK2B):c.1446C>T (p.Leu482=)

Gene: CAMK2B (calcium/calmodulin dependent protein kinase II beta; minus strand). Cytogenetic location: 7p13.
Variant type: single nucleotide variant.
Coding change: c.1446C>T on transcript NM_001220.5 (MANE Select); coding-DNA position 1446, C replaced by T.
Protein change: p.Leu482=; no amino-acid change (leucine 482 retained).
Molecular consequence: synonymous variant. On other transcripts: intron variant (8).
Genome position (GRCh38, 1-based): chr7:44,228,818, G>A on the plus strand (C>T on the coding strand, the complement: CAMK2B is on the minus strand). VCF-style: chr7-44228818-G-A. GRCh37 (hg19) VCF-style: chr7-44268417-G-A.
Other names: c.947-7917C>T (NM_172084.3); c.1150+2188C>T (NM_172080.3); c.1036+2188C>T (NM_172083.3); c.1108+2188C>T (NM_172081.3); c.1153+2188C>T (NM_172079.3, NM_172082.3); c.1225+2188C>T (NM_001293170.2, NM_172078.3).
Identifiers: ClinVar variation 1299069 (VCV001299069.41), dbSNP rs56377718, ClinGen allele CA4240308.